The following is an entry in ClinVar:

ClinVar aggregate classification (germline): Uncertain significance. Review status: criteria provided, multiple submitters, no conflicts (2 of 4 stars). 2 submissions from 2 submitters: Uncertain significance (2). Last evaluated 2025-03-17.

Conditions:
Hereditary cancer-predisposing syndrome. Also called: Hereditary neoplastic syndrome; Neoplastic Syndromes, Hereditary; Tumor predisposition; Hereditary Cancer Syndrome. Identifiers: Orphanet 140162, MedGen C0027672, MeSH D009386, MONDO:0015356.

Submissions (2):

Ambry Genetics
Classification: Uncertain significance for Hereditary cancer-predisposing syndrome. Last evaluated: 2025-03-17. Review status: criteria provided, single submitter. Criteria: Ambry Variant Classification Scheme 2023. Collection method: clinical testing. Allele origin: germline.
Comment: The p.S1003Y variant (also known as c.3008C>A), located in coding exon 22 of the MSH3 gene, results from a C to A substitution at nucleotide position 3008. The serine at codon 1003 is replaced by tyrosine, an amino acid with dissimilar properties. This amino acid position is conserved. In addition, the in silico prediction for this alteration is inconclusive. Based on the available evidence, the clinical significance of this variant remains unclear.

Labcorp Genetics (formerly Invitae), Labcorp
Classification: Uncertain significance. Last evaluated: 2024-12-11. Review status: criteria provided, single submitter. Criteria: Invitae Variant Classification Sherloc (09022015). Collection method: clinical testing. Allele origin: germline.
Comment: This sequence change replaces serine, which is neutral and polar, with tyrosine, which is neutral and polar, at codon 1003 of the MSH3 protein (p.Ser1003Tyr). This variant is not present in population databases (gnomAD no frequency). This variant has not been reported in the literature in individuals affected with MSH3-related conditions. ClinVar contains an entry for this variant (Variation ID: 836215). An algorithm developed to predict the effect of missense changes on protein structure and function (PolyPhen-2) suggests that this variant is likely to be disruptive. In summary, the available evidence is currently insufficient to determine the role of this variant in disease. Therefore, it has been classified as a Variant of Uncertain Significance.

NM_002439.5(MSH3):c.3008C>A (p.Ser1003Tyr)

Gene: MSH3 (mutS homolog 3; plus strand). Cytogenetic location: 5q14.1.
Variant type: single nucleotide variant.
Coding change: c.3008C>A on transcript NM_002439.5 (MANE Select); coding-DNA position 3008, C replaced by A.
Protein change: p.Ser1003Tyr; replaces serine 1003 with tyrosine.
Molecular consequence: missense variant.
Genome position (GRCh38, 1-based): chr5:80,864,820, C>A. VCF-style: chr5-80864820-C-A. GRCh37 (hg19) VCF-style: chr5-80160639-C-A.
Other names: c.3008C>A (NM_002439.3); short protein forms S1003Y.
Identifiers: ClinVar variation 836215 (VCV000836215.10), dbSNP rs1746072718, ClinGen allele CA360346052.